The following is an entry in ClinVar:

NM_001844.5(COL2A1):c.733C>T (p.Pro245Ser)

Gene: COL2A1 (collagen type II alpha 1 chain; minus strand). Cytogenetic location: 12q13.11.
Variant type: single nucleotide variant.
Coding change: c.733C>T on transcript NM_001844.5 (MANE Select); coding-DNA position 733, C replaced by T.
Protein change: p.Pro245Ser; replaces proline 245 with serine.
Molecular consequence: missense variant.
Genome position (GRCh38, 1-based): chr12:47,995,284, G>A on the plus strand (C>T on the coding strand, the complement: COL2A1 is on the minus strand). VCF-style: chr12-47995284-G-A. GRCh37 (hg19) VCF-style: chr12-48389067-G-A.
Other names: c.526C>T, p.Pro176Ser (NM_033150.3); short protein forms P176S, P245S.
Identifiers: ClinVar variation 2070016 (VCV002070016.4), dbSNP rs1333696091, ClinGen allele CA384523311.

ClinVar aggregate classification (germline): Uncertain significance (1 of 4 stars; one submission).

gnomAD v4.1: 1 of 1,613,766 alleles (0.000062%); no homozygotes.

Submission:

Labcorp Genetics (formerly Invitae), Labcorp
Classification: Uncertain significance. Last evaluated: 2021-12-22. Review status: criteria provided, single submitter. Criteria: Invitae Variant Classification Sherloc (09022015). Collection method: clinical testing. Allele origin: germline.
Comment: In summary, the available evidence is currently insufficient to determine the role of this variant in disease. Therefore, it has been classified as a Variant of Uncertain Significance. Advanced modeling of protein sequence and biophysical properties (such as structural, functional, and spatial information, amino acid conservation, physicochemical variation, residue mobility, and thermodynamic stability) performed at Invitae indicates that this missense variant is not expected to disrupt COL2A1 protein function. This variant has not been reported in the literature in individuals affected with COL2A1-related conditions. This variant is not present in population databases (gnomAD no frequency). This sequence change replaces proline, which is neutral and non-polar, with serine, which is neutral and polar, at codon 245 of the COL2A1 protein (p.Pro245Ser).